The following is an entry in ClinVar:

ClinVar aggregate classification (germline): Uncertain significance. Review status: criteria provided, multiple submitters, no conflicts (2 of 4 stars). 2 submissions from 2 submitters: Uncertain significance (2). Last evaluated 2025-04-16.

Conditions:
Charcot-Marie-Tooth disease type 2. Also called: Charcot-Marie-Tooth type 2. Identifiers: Orphanet 64746, MedGen C0270914, MONDO:0018993.

gnomAD v4.1: 1 of 1,614,142 alleles (0.000062%); highest among the groups gnomAD compares: Non-Finnish European, 0.000085%; no homozygotes.

Submissions (2):

Ambry Genetics
Classification: Uncertain significance. Last evaluated: 2025-04-16. Review status: criteria provided, single submitter. Criteria: Ambry Variant Classification Scheme 2023. Collection method: clinical testing. Allele origin: germline.
Comment: The p.S1597I variant (also known as c.4790G>T), located in coding exon 42 of the KIF1B gene, results from a G to T substitution at nucleotide position 4790. The serine at codon 1597 is replaced by isoleucine, an amino acid with dissimilar properties. This amino acid position is conserved. In addition, this alteration is predicted to be tolerated by in silico analysis. Since supporting evidence is limited at this time, the clinical significance of this alteration remains unclear.

Labcorp Genetics (formerly Invitae), Labcorp
Classification: Uncertain significance for Charcot-Marie-Tooth disease type 2. Last evaluated: 2021-11-02. Review status: criteria provided, single submitter. Criteria: Invitae Variant Classification Sherloc (09022015). Collection method: clinical testing. Allele origin: germline.
Comment: In summary, the available evidence is currently insufficient to determine the role of this variant in disease. Therefore, it has been classified as a Variant of Uncertain Significance. Algorithms developed to predict the effect of missense changes on protein structure and function (SIFT, PolyPhen-2, Align-GVGD) all suggest that this variant is likely to be tolerated. This variant has not been reported in the literature in individuals affected with KIF1B-related conditions. This variant is not present in population databases (gnomAD no frequency). This sequence change replaces serine, which is neutral and polar, with isoleucine, which is neutral and non-polar, at codon 1597 of the KIF1B protein (p.Ser1597Ile).

NM_001365951.3(KIF1B):c.4928G>T (p.Ser1643Ile)

Gene: KIF1B (kinesin family member 1B; plus strand). Cytogenetic location: 1p36.22.
Variant type: single nucleotide variant.
Coding change: c.4928G>T on transcript NM_001365951.3 (MANE Select); coding-DNA position 4928, G replaced by T.
Protein change: p.Ser1643Ile; replaces serine 1643 with isoleucine.
Molecular consequence: missense variant.
Genome position (GRCh38, 1-based): chr1:10,371,244, G>T. VCF-style: chr1-10371244-G-T. GRCh37 (hg19) VCF-style: chr1-10431302-G-T.
Other names: c.4928G>T, p.Ser1643Ile (NM_001365952.1); c.4790G>T, p.Ser1597Ile (NM_015074.3); short protein forms S1643I, S1597I.
Identifiers: ClinVar variation 1497742 (VCV001497742.8), dbSNP rs2102358222, ClinGen allele CA338327896.